The following is an entry in ClinVar:

ClinVar aggregate classification (germline): Likely pathogenic (1 of 4 stars; one submission).

Conditions:
Ataxia-telangiectasia syndrome (AT). Also called: Ataxia-telangiectasia, complementation group D; AT, COMPLEMENTATION GROUP C; Ataxia-telangiectasia, complementation group E; Cerebello-oculocutaneous telangiectasia; Immunodeficiency with ataxia telangiectasia; ATAXIA-TELANGIECTASIA, COMPLEMENTATION GROUP A. Identifiers: Orphanet 100, MedGen C0004135, MONDO:0008840, OMIM 208900.

Submission:

Labcorp Genetics (formerly Invitae), Labcorp
Classification: Likely pathogenic for Ataxia-telangiectasia syndrome. Last evaluated: 2020-05-27. Review status: criteria provided, single submitter. Criteria: Invitae Variant Classification Sherloc (09022015). Collection method: clinical testing. Allele origin: germline.
Comment: This variant disrupts the kinase domain of the ATM protein, which is required for DNA damage response (PMID: 24667671). While functional studies have not been performed to directly test the effect of this variant on ATM protein function, this suggests that disruption of this region of the protein is causative of disease. In summary, the currently available evidence indicates that the variant is pathogenic, but additional data are needed to prove that conclusively. Therefore, this variant has been classified as Likely Pathogenic. This variant has been observed in individual(s) with ataxia-telangiectasia (Invitae). It has also been observed to segregate with disease in related individuals. This variant results in a copy number gain of the genomic region encompassing exon(s) 48-61 of the ATM gene. While the exact position of this variant cannot be determined from the data, sub-genic copy number gains are generally in tandem (PMID: 25640679). This variant is predicted to be in-frame, and likely preserves the integrity of the reading frame.

Literature cited by the submitters: PubMed 24667671; PubMed 25640679.

NC_000011.9:g.(?_108198469)_(108225601_?)dup

Genes: ATM (ATM serine/threonine kinase; plus strand), C11orf65 (chromosome 11 open reading frame 65; minus strand), LOC129390354 (MPRA-validated peak1451 silencer; plus strand). Cytogenetic location: 11q22.3.
Variant type: Duplication.
Identifiers: ClinVar variation 583885 (VCV000583885.6).